The following is an entry in ClinVar:

NM_001846.4(COL4A2):c.3938del (p.Thr1313fs)

Genes: COL4A2 (collagen type IV alpha 2 chain; plus strand), COL4A2-AS1 (COL4A2 antisense RNA 1; minus strand). Cytogenetic location: 13q34.
Variant type: Deletion.
Coding change: c.3938del on transcript NM_001846.4 (MANE Select); coding-DNA position 3938, one base deleted (C; older notation c.3938delC).
Protein change: p.Thr1313fs; shifts the reading frame from threonine 1313.
Molecular consequence: frameshift variant.
Genome position (GRCh38, 1-based): chr13:110,503,181, C deleted. VCF-style (leftmost placement, unchanged base first): chr13-110503180-AC-A. GRCh37 (hg19) VCF-style: chr13-111155527-AC-A.
Other names: short protein forms T1313fs.
Identifiers: ClinVar variation 3905755 (VCV003905755.10).

ClinVar aggregate classification (germline): Pathogenic (1 of 4 stars; one submission).

Submission:

CeGaT Center for Human Genetics Tuebingen
Classification: Pathogenic. Last evaluated: 2025-04-01. Review status: criteria provided, single submitter. Criteria: CeGaT Center For Human Genetics Tuebingen Variant Classification Criteria Version 2. Collection method: clinical testing. Allele origin: germline. Affected: yes. Observed: 1 variant allele.
Comment: COL4A2: PVS1, PM2